The following is an entry in ClinVar:

ClinVar aggregate classification (germline): Pathogenic (1 of 4 stars; one submission).

Conditions:
Ornithine aminotransferase deficiency (GACR). Also called: OAT DEFICIENCY; OKT DEFICIENCY; Ornithine ketoacid aminotransferase deficiency; Gyrate atrophy; Gyrate atrophy of choroid and retina; Girate atrophy of the retina. Identifiers: Orphanet 414, MedGen C0018425, MONDO:0009796, OMIM 258870.

Submission:

Labcorp Genetics (formerly Invitae), Labcorp
Classification: Pathogenic for Ornithine aminotransferase deficiency. Last evaluated: 2021-10-07. Review status: criteria provided, single submitter. Criteria: Invitae Variant Classification Sherloc (09022015). Collection method: clinical testing. Allele origin: germline.
Comment: This variant is a gross deletion of the genomic region encompassing exon(s) 10 of the OAT gene, which includes the termination codon. This deletion extends beyond the assayed region for this gene and therefore may encompass additional genes. While this deletion is not anticipated to lead to nonsense mediated decay, it is expected to alter mRNA translation or result in a truncated protein product. This variant has not been reported in the literature in individuals affected with OAT-related conditions. This variant disrupts a region of the OAT protein in which other variant(s) (p.Arg426*) have been determined to be pathogenic (PMID: 1609808, 23076989, 24429551). This suggests that this is a clinically significant region of the protein, and that variants that disrupt it are likely to be disease-causing. For these reasons, this variant has been classified as Pathogenic.

Literature cited by the submitters: PubMed 1609808; PubMed 23076989; PubMed 24429551.

NC_000010.10:g.(?_126086501)_(126086681_?)del

Gene: OAT (ornithine aminotransferase; minus strand). Cytogenetic location: 10q26.13.
Variant type: Deletion.
Identifiers: ClinVar variation 1367020 (VCV001367020.3).